The following is an entry in ClinVar:

NM_001042492.3(NF1):c.7394del (p.Asp2465fs)

Gene: NF1 (neurofibromin 1; plus strand). Cytogenetic location: 17q11.2.
Variant type: Deletion.
Coding change: c.7394del on transcript NM_001042492.3 (MANE Select); coding-DNA position 7394, one base deleted (A; older notation c.7394delA).
Protein change: p.Asp2465fs; shifts the reading frame from aspartic acid 2465.
Molecular consequence: frameshift variant.
Genome position (GRCh38, 1-based): chr17:31,350,255, A deleted. VCF-style (leftmost placement, unchanged base first): chr17-31350254-GA-G. GRCh37 (hg19) VCF-style: chr17-29677272-GA-G.
Other names: c.7331delA, p.Asp2444Valfs (NM_000267.3); c.7331del, p.Asp2444fs (NM_000267.4); short protein forms D2444fs, D2465fs.
Identifiers: ClinVar variation 4532743 (VCV004532743.1).
Genomic context (GRCh38, chr17:31,350,254, plus strand): 5'-GTGTCTGAAGAAGTTCGAAGTCGCTGCAGCCTAAAACATAGAAAGTCACTTCTTCTTACT[GA>G]TATTTCAATGGAAAATGTTCCTATGGATACATATCCCATTCATCATGGTGACCCTTCCTA-3'

ClinVar aggregate classification (germline): Pathogenic (1 of 4 stars; one submission).

Submission:

GeneDx
Classification: Pathogenic. Last evaluated: 2025-05-29. Review status: criteria provided, single submitter. Criteria: GeneDx Variant Classification Process June 2021. Collection method: clinical testing. Allele origin: germline. Affected: yes.
Comment: Frameshift variant predicted to result in protein truncation or nonsense mediated decay in a gene for which loss of function is a known mechanism of disease; Not observed at significant frequency in large population cohorts (gnomAD); This variant is associated with the following publications: (PMID: 12112660)